The following is an entry in ClinVar:

ClinVar aggregate classification (germline): Uncertain significance (1 of 4 stars; one submission).

Conditions:
Inborn genetic diseases. Identifiers: MedGen C0950123, MeSH D030342.

Allele frequency attached by ClinVar (database versions not stated): gnomAD exomes 0.00001; TOPMed 0.00001.
gnomAD v4.1: 3 of 1,614,172 alleles (0.00019%); highest among the groups gnomAD compares: East Asian, 0.0022%; no homozygotes.

Submission:

Ambry Genetics
Classification: Uncertain significance for Inborn genetic diseases. Last evaluated: 2023-09-12. Review status: criteria provided, single submitter. Criteria: Ambry Variant Classification Scheme 2023. Collection method: clinical testing. Allele origin: germline.
Comment: The p.P800S variant (also known as c.2398C>T), located in coding exon 15 of the EPAS1 gene, results from a C to T substitution at nucleotide position 2398. The proline at codon 800 is replaced by serine, an amino acid with similar properties. This amino acid position is conserved. In addition, this alteration is predicted to be tolerated by in silico analysis. Since supporting evidence is limited at this time, the clinical significance of this alteration remains unclear.

NM_001430.5(EPAS1):c.2398C>T (p.Pro800Ser)

Gene: EPAS1 (endothelial PAS domain protein 1; plus strand). Cytogenetic location: 2p21.
Variant type: single nucleotide variant.
Coding change: c.2398C>T on transcript NM_001430.5 (MANE Select); coding-DNA position 2398, C replaced by T.
Protein change: p.Pro800Ser; replaces proline 800 with serine.
Molecular consequence: missense variant.
Genome position (GRCh38, 1-based): chr2:46,382,535, C>T. VCF-style: chr2-46382535-C-T. GRCh37 (hg19) VCF-style: chr2-46609674-C-T.
Other names: short protein forms P800S.
Identifiers: ClinVar variation 1790648 (VCV001790648.3), dbSNP rs1323373021, ClinGen allele CA346706246.